The following is an entry in ClinVar:

NM_024741.3(ZNF408):c.163_166dup (p.Ser56fs)

Gene: ZNF408 (zinc finger protein 408; plus strand). Cytogenetic location: 11p11.2.
Variant type: Duplication.
Coding change: c.163_166dup on transcript NM_024741.3 (MANE Select); coding-DNA positions 163 to 166, 4 bases duplicated (AAGA; older notation c.163_166dupAAGA).
Protein change: p.Ser56fs; shifts the reading frame from serine 56.
Molecular consequence: frameshift variant.
Genome position (GRCh38, 1-based): chr11:46,701,509-46,701,512, AAGA duplicated; duplicating any 4 consecutive bases within chr11:46,701,508-46,701,512 gives the same sequence; the c. name uses the placement nearest the transcript's 3' end. VCF-style (leftmost placement, unchanged base first): chr11-46701507-T-TAAAG. GRCh37 (hg19) VCF-style: chr11-46723057-T-TAAAG.
Other names: c.139_142dup, p.Ser48fs (NM_001184751.2); short protein forms S48fs, S56fs.
Identifiers: ClinVar variation 1051001 (VCV001051001.9), dbSNP rs750884797, ClinGen allele CA5966253.

ClinVar aggregate classification (germline): Conflicting classifications of pathogenicity. Review status: criteria provided, conflicting classifications (1 of 4 stars). 2 submissions from 2 submitters: Likely pathogenic (1); Uncertain significance (1). Last evaluated 2025-04-30.

Conditions:
ZNF408-related disorder. Also called: ZNF408-related condition.

Submissions (2):

Labcorp Genetics (formerly Invitae), Labcorp
Classification: Uncertain significance. Last evaluated: 2025-04-30. Review status: criteria provided, single submitter. Criteria: Invitae Variant Classification Sherloc (09022015). Collection method: clinical testing. Allele origin: germline.
Comment: This sequence change creates a premature translational stop signal (p.Ser56Lysfs*70) in the ZNF408 gene. It is expected to result in an absent or disrupted protein product. However, the current clinical and genetic evidence is not sufficient to establish whether loss-of-function variants in ZNF408 cause disease. This variant is present in population databases (rs750884797, gnomAD 0.01%). This variant has not been reported in the literature in individuals affected with ZNF408-related conditions. ClinVar contains an entry for this variant (Variation ID: 1051001). In summary, the available evidence is currently insufficient to determine the role of this variant in disease. Therefore, it has been classified as a Variant of Uncertain Significance.

Blueprint Genetics
Classification: Likely pathogenic for ZNF408-related disorders. Last evaluated: 2023-11-10. Review status: criteria provided, single submitter. Criteria: ACMG Guidelines, 2015. Collection method: clinical testing. Allele origin: germline. Affected: yes. Observed: 3 variant alleles.